The following is an entry in ClinVar:

ClinVar aggregate classification (germline): Benign. Review status: criteria provided, multiple submitters, no conflicts (2 of 4 stars). 3 submissions from 3 submitters: Benign (2). 1 of the submissions does not count toward it. Last evaluated 2026-01-26.

Conditions:
CTSB-related disorder. Also called: CTSB-related condition.

Allele frequency attached by ClinVar (database versions not stated): ESP Exome Variant Server 0.36237; TOPMed 0.36853; 1000 Genomes Project 0.39597.
gnomAD v4.1: 616,677 of 1,611,564 alleles (38%); highest among the groups gnomAD compares: East Asian, 50%; 119,157 homozygotes.

Submissions (3):

Labcorp Genetics (formerly Invitae), Labcorp
Classification: Benign. Last evaluated: 2026-01-26. Review status: criteria provided, single submitter. Criteria: Invitae Variant Classification Sherloc (09022015). Collection method: clinical testing. Allele origin: germline.

Breakthrough Genomics
Classification: Benign. Review status: criteria provided, single submitter. Criteria: ACMG Guidelines, 2015. Collection method: not provided. Allele origin: germline. Inheritance: Autosomal dominant inheritance. Affected: yes.

PreventionGenetics, part of Exact Sciences
Classification: Benign for CTSB-related condition. Last evaluated: 2019-10-17. Review status: no assertion criteria provided. Collection method: clinical testing. Allele origin: germline. Not counted in ClinVar's aggregate classification.
Comment: This variant is classified as benign based on ACMG/AMP sequence variant interpretation guidelines (Richards et al. 2015 PMID: 25741868, with internal and published modifications).

NM_001908.5(CTSB):c.76C>G (p.Leu26Val)

Genes: CTSB (cathepsin B), LOC121268921 (Sharpr-MPRA regulatory region 10233). Cytogenetic location: 8p23.1.
Variant type: single nucleotide variant.
Coding change: c.76C>G on transcript NM_001908.5 (MANE Select); coding-DNA position 76, C replaced by G.
Protein change: p.Leu26Val; replaces leucine 26 with valine.
Molecular consequence: missense variant. On other transcripts: 5 prime UTR variant (1).
Genome position (GRCh38, 1-based): chr8:11,853,379, G>C on the plus strand (C>G on the coding strand, the complement: CTSB is on the minus strand). VCF-style: chr8-11853379-G-C. GRCh37 (hg19) VCF-style: chr8-11710888-G-C.
Other names: c.-178C>G (NM_001317237.2); c.76C>G, p.Leu26Val (NM_001384714.1, NM_001384723.1, NM_001384724.1 and 8 more transcripts); c.76C>G (NM_001908.4); short protein forms L26V.
Identifiers: ClinVar variation 1168281 (VCV001168281.12), dbSNP rs12338, ClinGen allele CA4633200.